The following is an entry in ClinVar:

ClinVar aggregate classification (germline): Uncertain significance (1 of 4 stars; one submission).

gnomAD v4.1: 92 of 1,613,960 alleles (0.0057%); highest among the groups gnomAD compares: Non-Finnish European, 0.0069%; no homozygotes.

Submission:

Women's Health and Genetics/Laboratory Corporation of America, LabCorp
Classification: Uncertain significance. Last evaluated: 2024-10-16. Review status: criteria provided, single submitter. Criteria: LabCorp Variant Classification Summary - May 2015. Collection method: clinical testing. Allele origin: germline.
Comment: Variant summary: TG c.7688A>G (p.Tyr2563Cys) results in a non-conservative amino acid change located in the Carboxylesterase, type B domain (IPR002018) of the encoded protein sequence. Three of five in-silico tools predict a damaging effect of the variant on protein function. The variant allele was found at a frequency of 2.8e-05 in 251460 control chromosomes (gnomAD). c.7688A>G has been reported in the literature in an individual affected with an Iodide transport defect (Bernal Barquero_2022). These data do not allow any conclusion about variant significance. This publication also reports experimental evidence evaluating an impact on protein function, finding that the variant results in substantially reduced TG secretion. The following publication has been ascertained in the context of this evaluation (PMID: 36012511). No submitters have cited clinical-significance assessments for this variant to ClinVar. Based on the evidence outlined above, the variant was classified as VUS-possibly pathogenic.

Literature cited by the submitters: PubMed 36012511.

NM_003235.5(TG):c.7688A>G (p.Tyr2563Cys)

Gene: TG (thyroglobulin; plus strand). Cytogenetic location: 8q24.22.
Variant type: single nucleotide variant.
Coding change: c.7688A>G on transcript NM_003235.5 (MANE Select); coding-DNA position 7688, A replaced by G.
Protein change: p.Tyr2563Cys; replaces tyrosine 2563 with cysteine.
Molecular consequence: missense variant.
Genome position (GRCh38, 1-based): chr8:133,113,537, A>G. VCF-style: chr8-133113537-A-G. GRCh37 (hg19) VCF-style: chr8-134125781-A-G.
Other names: short protein forms Y2563C.
Identifiers: ClinVar variation 3385261 (VCV003385261.1).